The following is an entry in ClinVar:

ClinVar aggregate classification (germline): Uncertain significance (1 of 4 stars; one submission).

Allele frequency attached by ClinVar (database versions not stated): gnomAD 0.00001; TOPMed 0.00001.
gnomAD v4.1: 6 of 1,610,900 alleles (0.00037%); highest among the groups gnomAD compares: African/African-American, 0.0013%; no homozygotes.

Submission:

Labcorp Genetics (formerly Invitae), Labcorp
Classification: Uncertain significance. Last evaluated: 2022-08-23. Review status: criteria provided, single submitter. Criteria: Invitae Variant Classification Sherloc (09022015). Collection method: clinical testing. Allele origin: germline.
Comment: In summary, the available evidence is currently insufficient to determine the role of this variant in disease. Therefore, it has been classified as a Variant of Uncertain Significance. Algorithms developed to predict the effect of sequence changes on RNA splicing suggest that this variant may create or strengthen a splice site. Algorithms developed to predict the effect of missense changes on protein structure and function are either unavailable or do not agree on the potential impact of this missense change (SIFT: "Tolerated"; PolyPhen-2: "Probably Damaging"; Align-GVGD: "Class C0"). ClinVar contains an entry for this variant (Variation ID: 1444776). This variant has not been reported in the literature in individuals affected with DYM-related conditions. This variant is not present in population databases (gnomAD no frequency). This sequence change replaces cysteine, which is neutral and slightly polar, with glycine, which is neutral and non-polar, at codon 94 of the DYM protein (p.Cys94Gly).

NM_001353214.3(DYM):c.280T>G (p.Cys94Gly)

Gene: DYM (dymeclin; minus strand). Cytogenetic location: 18q21.1.
Variant type: single nucleotide variant.
Coding change: c.280T>G on transcript NM_001353214.3 (MANE Select); coding-DNA position 280, T replaced by G.
Protein change: p.Cys94Gly; replaces cysteine 94 with glycine.
Molecular consequence: missense variant. On other transcripts: intron variant (5).
Genome position (GRCh38, 1-based): chr18:49,379,672, A>C on the plus strand (T>G on the coding strand, the complement: DYM is on the minus strand). VCF-style: chr18-49379672-A-C. GRCh37 (hg19) VCF-style: chr18-46906042-A-C.
Other names: c.280T>G, p.Cys94Gly (NM_001353210.3, NM_001353213.3, NM_001353215.3 and 12 more transcripts); c.277T>G, p.Cys93Gly (NM_001353211.3, NM_001353212.3, NM_001374429.1 and 1 more transcripts); c.193+11921T>G (NM_001374443.1, NM_001374444.1, NM_001374442.1 and 2 more transcripts); short protein forms C93G, C94G.
Identifiers: ClinVar variation 1444776 (VCV001444776.8), dbSNP rs1441624531, ClinGen allele CA402413247.
Genomic context (GRCh38, chr18:49,379,672, plus strand): 5'-TAAAATTCACATTGTTAAATATAAAGCAAACATGGTTTAATTAGCCAGCTTACTTCTGAC[A>C]TTCTGCTGAAAGTTTTAGTTCTTTGGTTCTAGAAAGGAAGACCTTAATTAGTGCACCAAG-3'
Protein context (NP_001340143.1, residues 84-104): RTKELKLSAE[Cys94Gly]QNHIFIWQTH